The following is an entry in ClinVar:

ClinVar aggregate classification (germline): Benign (1 of 4 stars; one submission).

Allele frequency attached by ClinVar (database versions not stated): gnomAD exomes 0.66309; gnomAD 0.73703; TOPMed 0.75562; 1000 Genomes Project 30x 0.80137; 1000 Genomes Project 0.80511.
gnomAD v4.1: 363,725 of 530,752 alleles (69%); highest among the groups gnomAD compares: African/African-American, 89%; 128,223 homozygotes.

Submission:

GeneDx
Classification: Benign. Last evaluated: 2018-06-14. Review status: criteria provided, single submitter. Criteria: GeneDx Variant Classification (06012015). Collection method: clinical testing. Allele origin: germline. Affected: yes.
Comment: This variant is considered likely benign or benign based on one or more of the following criteria: it is a conservative change, it occurs at a poorly conserved position in the protein, it is predicted to be benign by multiple in silico algorithms, and/or has population frequency not consistent with disease.

NM_032119.4(ADGRV1):c.9042+149T>A

Gene: ADGRV1 (adhesion G protein-coupled receptor V1; plus strand). Cytogenetic location: 5q14.3.
Variant type: single nucleotide variant.
Coding change: c.9042+149T>A on transcript NM_032119.4 (MANE Select); 149 bases into the intron after coding-DNA position 9042, T replaced by A.
Molecular consequence: intron variant.
Genome position (GRCh38, 1-based): chr5:90,711,471, T>A. VCF-style: chr5-90711471-T-A. GRCh37 (hg19) VCF-style: chr5-90007288-T-A.
Identifiers: ClinVar variation 678802 (VCV000678802.1), dbSNP rs7714506, ClinGen allele CA122804474.